The following is an entry in ClinVar:

ClinVar aggregate classification (germline): Uncertain significance. Review status: criteria provided, multiple submitters, no conflicts (2 of 4 stars). 3 submissions from 3 submitters: Uncertain significance (3). Last evaluated 2024-05-24.

Conditions:
Hereditary cancer-predisposing syndrome. Also called: Neoplastic Syndromes, Hereditary; Hereditary neoplastic syndrome; Tumor predisposition; Hereditary Cancer Syndrome. Identifiers: Orphanet 140162, MedGen C0027672, MeSH D009386, MONDO:0015356.
Gastric cancer. Also called: Malignant tumor of stomach; Stomach cancer. Identifiers: MedGen C0024623, MeSH D013274, MONDO:0001056, OMIM 613659, HP:0012126.
Desmoid disease, hereditary (DESMD). Also called: FIBROMATOSIS, FAMILIAL INFILTRATIVE. Identifiers: Orphanet 873, MedGen C1851124, OMIM 135290. Disease mechanism: loss of function.
Familial adenomatous polyposis 1 (FAP1). Also called: FAMILIAL ADENOMATOUS POLYPOSIS 1, ATTENUATED; POLYPOSIS, ADENOMATOUS INTESTINAL. Identifiers: MedGen C2713442, MONDO:0021056, OMIM 175100. Disease mechanism: loss of function.

Submissions (3):

Ambry Genetics
Classification: Uncertain significance for Hereditary cancer-predisposing syndrome. Last evaluated: 2024-05-24. Review status: criteria provided, single submitter. Criteria: Ambry Variant Classification Scheme 2023. Collection method: clinical testing. Allele origin: germline.
Comment: The c.4538_4558del21 variant (also known as p.E1513_D1519del) is located in coding exon 15 of the APC gene. This variant results from an in-frame AGCCATTTATACAGAAAGATG deletion at nucleotide positions 4538 to 4558. This results in the in-frame deletion of seven amino acid residues (EPFIQKD) between codons 1513 to 1519. This amino acid region is well conserved in available vertebrate species. In addition, this alteration is predicted to be deleterious by in silico analysis (Choi Y et al. PLoS ONE. 2012; 7(10):e46688). Since supporting evidence is limited at this time, the clinical significance of this alteration remains unclear.

Labcorp Genetics (formerly Invitae), Labcorp
Classification: Uncertain significance for Familial adenomatous polyposis 1. Last evaluated: 2024-02-22. Review status: criteria provided, single submitter. Criteria: Invitae Variant Classification Sherloc (09022015). Collection method: clinical testing. Allele origin: germline.
Comment: This variant, c.4538_4558del, results in the deletion of 7 amino acid(s) of the APC protein (p.Glu1513_Asp1519del), but otherwise preserves the integrity of the reading frame. This variant is not present in population databases (gnomAD no frequency). This variant has not been reported in the literature in individuals affected with APC-related conditions. Experimental studies and prediction algorithms are not available or were not evaluated, and the functional significance of this variant is currently unknown. In summary, the available evidence is currently insufficient to determine the role of this variant in disease. Therefore, it has been classified as a Variant of Uncertain Significance.

Department of Pathology and Laboratory Medicine, Sinai Health System
Classification: Uncertain significance for Familial adenomatous polyposis 1; Desmoid disease, hereditary; Gastric cancer. Last evaluated: 2022-08-11. Review status: criteria provided, single submitter. Criteria: ACMG Guidelines, 2015. Collection method: clinical testing. Allele origin: germline. Affected: yes.

NM_000038.6(APC):c.4538_4558del (p.Glu1513_Asp1519del)

Gene: APC (APC regulator of Wnt signaling pathway; plus strand). Cytogenetic location: 5q22.2.
Variant type: Deletion.
Coding change: c.4538_4558del on transcript NM_000038.6 (MANE Select); coding-DNA positions 4538 to 4558, 21 bases deleted (AGCCATTTATACAGAAAGATG).
Protein change: p.Glu1513_Asp1519del.
Molecular consequence: inframe deletion. On other transcripts: non-coding transcript variant (2).
Genome position (GRCh38, 1-based): chr5:112,840,132-112,840,152, AGCCATTTATACAGAAAGATG deleted; deleting any 21 consecutive bases within chr5:112,840,128-112,840,152 gives the same sequence; the c. name uses the placement nearest the transcript's 3' end. VCF-style (leftmost placement, unchanged base first): chr5-112840127-CGATGAGCCATTTATACAGAAA-C. GRCh37 (hg19) VCF-style: chr5-112175824-CGATGAGCCATTTATACAGAAA-C.
Other names: c.4538_4558del, p.Glu1513_Asp1519del (NM_001127510.3, NM_001354895.2, NM_001407450.1); c.4484_4504del, p.Glu1495_Asp1501del (NM_001127511.3); c.4592_4612del, p.Glu1531_Asp1537del (NM_001354896.2, NM_001407447.1, NM_001407448.1 and 1 more transcripts); c.4568_4588del, p.Glu1523_Asp1529del (NM_001354897.2); c.4463_4483del, p.Glu1488_Asp1494del (NM_001354898.2); c.4454_4474del, p.Glu1485_Asp1491del (NM_001354899.2); c.4415_4435del, p.Glu1472_Asp1478del (NM_001354900.2); c.4361_4381del, p.Glu1454_Asp1460del (NM_001354901.2, NM_001407453.1); and 12 more.
Identifiers: ClinVar variation 2996909 (VCV002996909.5), dbSNP rs2533581146, ClinGen allele CA2740094005.